The following is an entry in ClinVar:

NM_000195.5(HPS1):c.1652C>T (p.Thr551Ile)

Gene: HPS1 (HPS1 biogenesis of lysosomal organelles complex 3 subunit 1; minus strand). Cytogenetic location: 10q24.2.
Variant type: single nucleotide variant.
Coding change: c.1652C>T on transcript NM_000195.5 (MANE Select); coding-DNA position 1652, C replaced by T.
Protein change: p.Thr551Ile; replaces threonine 551 with isoleucine.
Molecular consequence: missense variant.
Genome position (GRCh38, 1-based): chr10:98,422,460, G>A on the plus strand (C>T on the coding strand, the complement: HPS1 is on the minus strand). VCF-style: chr10-98422460-G-A. GRCh37 (hg19) VCF-style: chr10-100182217-G-A.
Other names: c.680C>T, p.Thr227Ile (NM_001311345.2, NM_001322487.2, NM_001322489.2); c.1652C>T, p.Thr551Ile (NM_001322476.2, NM_001322477.2); c.1553C>T, p.Thr518Ile (NM_001322478.2, NM_001322479.2); c.1391C>T, p.Thr464Ile (NM_001322480.2, NM_001322481.2); c.1292C>T, p.Thr431Ile (NM_001322482.2); c.1283C>T, p.Thr428Ile (NM_001322483.2, NM_001322484.2); c.1184C>T, p.Thr395Ile (NM_001322485.2); short protein forms T227I, T464I, T431I, T518I, T428I, T551I, T395I.
Identifiers: ClinVar variation 1460804 (VCV001460804.5), dbSNP rs1268623165, ClinGen allele CA378044193.

ClinVar aggregate classification (germline): Uncertain significance (1 of 4 stars; one submission).

gnomAD v4.1: 4 of 1,614,088 alleles (0.00025%); highest among the groups gnomAD compares: Non-Finnish European, 0.00025%; no homozygotes.

Submission:

Labcorp Genetics (formerly Invitae), Labcorp
Classification: Uncertain significance. Last evaluated: 2022-09-27. Review status: criteria provided, single submitter. Criteria: Invitae Variant Classification Sherloc (09022015). Collection method: clinical testing. Allele origin: germline.
Comment: This sequence change replaces threonine, which is neutral and polar, with isoleucine, which is neutral and non-polar, at codon 551 of the HPS1 protein (p.Thr551Ile). This variant is not present in population databases (gnomAD no frequency). This variant has not been reported in the literature in individuals affected with HPS1-related conditions. ClinVar contains an entry for this variant (Variation ID: 1460804). Advanced modeling of protein sequence and biophysical properties (such as structural, functional, and spatial information, amino acid conservation, physicochemical variation, residue mobility, and thermodynamic stability) performed at Invitae indicates that this missense variant is not expected to disrupt HPS1 protein function. In summary, the available evidence is currently insufficient to determine the role of this variant in disease. Therefore, it has been classified as a Variant of Uncertain Significance.